The following is an entry in ClinVar:

ClinVar aggregate classification (germline): Pathogenic. Review status: criteria provided, multiple submitters, no conflicts (2 of 4 stars). 2 submissions from 2 submitters: Pathogenic (2). Last evaluated 2026-01-09.

Conditions:
Hereditary cancer-predisposing syndrome. Also called: Neoplastic Syndromes, Hereditary; Tumor predisposition; Hereditary neoplastic syndrome; Hereditary Cancer Syndrome. Identifiers: Orphanet 140162, MedGen C0027672, MeSH D009386, MONDO:0015356.

Submissions (2):

Ambry Genetics
Classification: Pathogenic for Hereditary cancer-predisposing syndrome. Last evaluated: 2026-01-09. Review status: criteria provided, single submitter. Criteria: Ambry Variant Classification Scheme 2023. Collection method: clinical testing. Allele origin: germline.
Comment: The c.6627_6636dup10 pathogenic mutation, located in coding exon 45 of the ATM gene, results from a duplication of CCAGCTTCTC at nucleotide positions 6627 to 6636, causing a translational frameshift with a predicted alternate stop codon (p.K2213Pfs*7). This variant is considered to be rare based on population cohorts in the Genome Aggregation Database (gnomAD). This alteration is expected to result in loss of function by premature protein truncation or nonsense-mediated mRNA decay. As such, this alteration is interpreted as a disease-causing mutation.

Quest Diagnostics Nichols Institute San Juan Capistrano
Classification: Pathogenic. Last evaluated: 2025-04-20. Review status: criteria provided, single submitter. Criteria: Quest Diagnostics criteria. Collection method: clinical testing. Allele origin: unknown.
Comment: The ATM c.6627_6636dup (p.Lys2213Profs*7) variant alters the translational reading frame of the ATM mRNA and causes the premature termination of ATM protein synthesis. This variant has not been reported in individuals with ATM-related conditions in the published literature. This variant has not been reported in large, multi-ethnic general populations (Genome Aggregation Database). Based on the available information, this variant is classified as pathogenic.

NM_000051.4(ATM):c.6627_6636dup (p.Lys2213fs)

Genes: ATM (ATM serine/threonine kinase; plus strand), C11orf65 (chromosome 11 open reading frame 65; minus strand). Cytogenetic location: 11q22.3.
Variant type: Duplication.
Coding change: c.6627_6636dup on transcript NM_000051.4 (MANE Select); coding-DNA positions 6627 to 6636, 10 bases duplicated (CCAGCTTCTC; older notation c.6627_6636dupCCAGCTTCTC).
Protein change: p.Lys2213fs; shifts the reading frame from lysine 2213.
Molecular consequence: frameshift variant. On other transcripts: intron variant (2).
Genome position (GRCh38, 1-based): chr11:108,325,364-108,325,373, CCAGCTTCTC duplicated; duplicating any 10 consecutive bases within chr11:108,325,361-108,325,373 gives the same sequence; the c. name uses the placement nearest the transcript's 3' end. VCF-style (leftmost placement, unchanged base first): chr11-108325360-A-ACTCCCAGCTT. GRCh37 (hg19) VCF-style: chr11-108196087-A-ACTCCCAGCTT.
Other names: c.6627_6636dupCCAGCTTCTC (NM_000051.3); c.6627_6636dup, p.Lys2213fs (NM_001351834.2); c.641-16299_641-16290dup (NM_001330368.2); c.*38+9850_*38+9859dup (NM_001351110.2); short protein forms K2213fs.
Identifiers: ClinVar variation 4533075 (VCV004533075.2).
Genomic context (GRCh38, chr11:108,325,360, plus strand): 5'-TGGCATTCAGATCAGTCACACATAGACAACTCTCTGAAGTATATATTAAGTGGCAGAAAC[A>ACTCCCAGCTT]CTCCCAGCTTCTCAAGGACAGTGATTTTAGTTTTCAGGAGCCTATCATGGCTCTACGCAC-3'